The following is an entry in ClinVar:

ClinVar aggregate classification (germline): Uncertain significance (1 of 4 stars; one submission).

Conditions:
Hereditary cancer-predisposing syndrome. Also called: Hereditary neoplastic syndrome; Neoplastic Syndromes, Hereditary; Tumor predisposition; Hereditary Cancer Syndrome. Identifiers: Orphanet 140162, MedGen C0027672, MeSH D009386, MONDO:0015356.

gnomAD v4.1: 1 of 1,614,190 alleles (0.000062%); highest among the groups gnomAD compares: Non-Finnish European, 0.000085%; no homozygotes.

Submission:

Ambry Genetics
Classification: Uncertain significance for Hereditary cancer-predisposing syndrome. Last evaluated: 2025-02-27. Review status: criteria provided, single submitter. Criteria: Ambry Variant Classification Scheme 2023. Collection method: clinical testing. Allele origin: germline.
Comment: The p.Y62H variant (also known as c.184T>C), located in coding exon 2 of the BMPR1A gene, results from a T to C substitution at nucleotide position 184. The tyrosine at codon 62 is replaced by histidine, an amino acid with similar properties. This amino acid position is highly conserved in available vertebrate species. In addition, this alteration is predicted to be tolerated by in silico analysis. Based on the available evidence, the clinical significance of this variant remains unclear.

NM_004329.3(BMPR1A):c.184T>C (p.Tyr62His)

Gene: BMPR1A (bone morphogenetic protein receptor type 1A; plus strand). Cytogenetic location: 10q23.2.
Variant type: single nucleotide variant.
Coding change: c.184T>C on transcript NM_004329.3 (MANE Select); coding-DNA position 184, T replaced by C.
Protein change: p.Tyr62His; replaces tyrosine 62 with histidine.
Molecular consequence: missense variant. On other transcripts: non-coding transcript variant (3).
Genome position (GRCh38, 1-based): chr10:86,890,178, T>C. VCF-style: chr10-86890178-T-C. GRCh37 (hg19) VCF-style: chr10-88649935-T-C.
Other names: c.184T>C, p.Tyr62His (NM_001406559.1, NM_001406560.1, NM_001406561.1 and 23 more transcripts); c.100T>C, p.Tyr34His (NM_001406584.1, NM_001406585.1, NM_001406586.1 and 2 more transcripts); short protein forms Y34H, Y62H.
Identifiers: ClinVar variation 3824722 (VCV003824722.1).
Genomic context (GRCh38, chr10:86,890,178, plus strand): 5'-AAAAAGTCAGAAAATGGAGTAACCTTAGCACCAGAGGATACCTTGCCTTTTTTAAAGTGC[T>C]ATTGCTCAGGGCACTGTCCAGATGATGCTATTAATAACACATGCATGTAAGTATTTTATG-3'
Protein context (NP_004320.2, residues 52-72): PEDTLPFLKC[Tyr62His]CSGHCPDDAI